The following is an entry in ClinVar:

NM_152564.5(VPS13B):c.11009G>A (p.Arg3670Lys)

Gene: VPS13B (vacuolar protein sorting 13 homolog B; plus strand). Cytogenetic location: 8q22.2.
Variant type: single nucleotide variant.
Coding change: c.11009G>A on transcript NM_152564.5 (MANE Select); coding-DNA position 11009, G replaced by A.
Protein change: p.Arg3670Lys; replaces arginine 3670 with lysine.
Molecular consequence: missense variant.
Genome position (GRCh38, 1-based): chr8:99,859,445, G>A. VCF-style: chr8-99859445-G-A. GRCh37 (hg19) VCF-style: chr8-100871673-G-A.
Other names: c.11084G>A, p.Arg3695Lys (NM_017890.5); c.11009G>A (NM_152564.4); c.11084G>A (NM_017890.3); short protein forms R3695K, R3670K.
Identifiers: ClinVar variation 911705 (VCV000911705.12), dbSNP rs370172252, ClinGen allele CA4825092.

ClinVar aggregate classification (germline): Uncertain significance. Review status: criteria provided, multiple submitters, no conflicts (2 of 4 stars). 6 submissions from 6 submitters: Uncertain significance (5). 1 of the submissions does not count toward it. Last evaluated 2025-01-01.

Conditions:
VPS13B-related disorder. Also called: VPS13B-related condition.
Inborn genetic diseases. Identifiers: MedGen C0950123, MeSH D030342.
Cohen syndrome (COH1). Also called: Cutis verticis gyrata, retinitis pigmentosa, and sensorineural deafness; PEPPER SYNDROME. Identifiers: Orphanet 193, MedGen C0265223, MONDO:0008999, OMIM 216550.

Allele frequency attached by ClinVar (database versions not stated): ExAC 0.00002; gnomAD exomes 0.00002 and 0.00003; gnomAD 0.00004; TOPMed 0.00004; ESP Exome Variant Server 0.00008.
gnomAD v4.1: 55 of 1,613,980 alleles (0.0034%); highest among the groups gnomAD compares: Non-Finnish European, 0.0044%; no homozygotes.

Submissions (6):

Ambry Genetics
Classification: Uncertain significance for Inborn genetic diseases. Last evaluated: 2025-01-01. Review status: criteria provided, single submitter. Criteria: Ambry Variant Classification Scheme 2023. Collection method: clinical testing. Allele origin: germline.

Labcorp Genetics (formerly Invitae), Labcorp
Classification: Uncertain significance for Cohen syndrome. Last evaluated: 2022-08-15. Review status: criteria provided, single submitter. Criteria: Invitae Variant Classification Sherloc (09022015). Collection method: clinical testing. Allele origin: germline.
Comment: This sequence change replaces arginine, which is basic and polar, with lysine, which is basic and polar, at codon 3695 of the VPS13B protein (p.Arg3695Lys). This variant is present in population databases (rs370172252, gnomAD 0.008%). This variant has not been reported in the literature in individuals affected with VPS13B-related conditions. ClinVar contains an entry for this variant (Variation ID: 911705). Algorithms developed to predict the effect of missense changes on protein structure and function are either unavailable or do not agree on the potential impact of this missense change (SIFT: "Not Available"; PolyPhen-2: "Benign"; Align-GVGD: "Not Available"). In summary, the available evidence is currently insufficient to determine the role of this variant in disease. Therefore, it has been classified as a Variant of Uncertain Significance.

Blueprint Genetics
Classification: Uncertain significance. Last evaluated: 2022-04-05. Review status: criteria provided, single submitter. Criteria: ACMG Guidelines, 2015. Collection method: clinical testing. Allele origin: germline.

Genetic Services Laboratory, University of Chicago
Classification: Uncertain significance. Last evaluated: 2021-03-08. Review status: criteria provided, single submitter. Criteria: ACMG Guidelines, 2015. Collection method: clinical testing. Allele origin: germline. Affected: no.
Comment: DNA sequence analysis of the VPS13B gene demonstrated a sequence change, c.11084G>A, in exon 57 that results in an amino acid change, p.Arg3695Lys. This sequence change has been described in gnomAD with a population frequency of 0.0021% (dbSNP rs370172252). The p.Arg3695Lys change affects a moderately conserved amino acid residue located in a domain of the VPS13B protein that is not known to be functional. In-silico pathogenicity prediction tools (SIFT, PolyPhen2, Align GVGD, REVEL) provide contradictory results for the p.Arg3695Lys substitution. This sequence change does not appear to have been previously described in patients with VPS13B-related disorders. Due to the lack of sufficient evidences, the clinical significance of the p.Arg3695Lys change remains unknown at this time.

Illumina Laboratory Services, Illumina
Classification: Uncertain significance for Cohen syndrome. Last evaluated: 2018-01-12. Review status: criteria provided, single submitter. Criteria: ICSL Variant Classification Criteria 13 December 2019. Collection method: clinical testing. Allele origin: germline.

PreventionGenetics, part of Exact Sciences
Classification: Uncertain significance for VPS13B-related condition. Last evaluated: 2024-09-20. Review status: no assertion criteria provided. Collection method: clinical testing. Allele origin: germline. Not counted in ClinVar's aggregate classification.
Comment: The VPS13B c.11009G>A variant is predicted to result in the amino acid substitution p.Arg3670Lys. To our knowledge, this variant has not been reported in the literature. This variant is reported in 0.0080% of alleles in individuals of African descent in gnomAD. At this time, the clinical significance of this variant is uncertain due to the absence of conclusive functional and genetic evidence.